The following continues an entry in ClinVar:

NM_000492.4(CFTR):c.1584G>A (p.Glu528=)

ClinVar aggregate classification (germline): Conflicting classifications of pathogenicity. Uncertain significance (5); Benign (6); Likely benign (9).

Submissions 57 to 70 of 70:

Dr. Peter K. Rogan Lab, Western University
No classification provided (evidence only). Condition: Gastric cancer. Review status: no classification provided. Collection method: in vitro. Allele origin: not applicable. Functional consequence: retained intron. Not counted in ClinVar's aggregate classification.

Dr. Peter K. Rogan Lab, Western University
No classification provided (evidence only). Condition: Gastric cancer. Review status: no classification provided. Collection method: in vitro. Allele origin: not applicable. Functional consequence: retained intron. Not counted in ClinVar's aggregate classification.

Dr. Peter K. Rogan Lab, Western University
No classification provided (evidence only). Condition: Gastric cancer. Review status: no classification provided. Collection method: in vitro. Allele origin: not applicable. Functional consequence: retained intron. Not counted in ClinVar's aggregate classification.

Dr. Peter K. Rogan Lab, Western University
No classification provided (evidence only). Condition: Gastric cancer. Review status: no classification provided. Collection method: in vitro. Allele origin: not applicable. Functional consequence: retained intron. Not counted in ClinVar's aggregate classification.

Dr. Peter K. Rogan Lab, Western University
No classification provided (evidence only). Condition: Gastric cancer. Review status: no classification provided. Collection method: in vitro. Allele origin: not applicable. Functional consequence: retained intron. Not counted in ClinVar's aggregate classification.

Dr. Peter K. Rogan Lab, Western University
No classification provided (evidence only). Condition: Gastric cancer. Review status: no classification provided. Collection method: in vitro. Allele origin: not applicable. Functional consequence: retained intron. Not counted in ClinVar's aggregate classification.

Dr. Peter K. Rogan Lab, Western University
No classification provided (evidence only). Condition: Gastric cancer. Review status: no classification provided. Collection method: in vitro. Allele origin: not applicable. Functional consequence: retained intron. Not counted in ClinVar's aggregate classification.

Dr. Peter K. Rogan Lab, Western University
No classification provided (evidence only). Condition: Adrenocortical carcinoma, hereditary. Review status: no classification provided. Collection method: in vitro. Allele origin: not applicable. Functional consequence: retained intron. Not counted in ClinVar's aggregate classification.

Dr. Peter K. Rogan Lab, Western University
No classification provided (evidence only). Condition: Malignant tumor of esophagus. Review status: no classification provided. Collection method: in vitro. Allele origin: not applicable. Functional consequence: skipped exon, retained intron. Not counted in ClinVar's aggregate classification.

Dr. Peter K. Rogan Lab, Western University
No classification provided (evidence only). Condition: Malignant tumor of esophagus. Review status: no classification provided. Collection method: in vitro. Allele origin: not applicable. Functional consequence: skipped exon, retained intron. Not counted in ClinVar's aggregate classification.

Dr. Peter K. Rogan Lab, Western University
No classification provided (evidence only). Condition: Nonpapillary renal cell carcinoma. Review status: no classification provided. Collection method: in vitro. Allele origin: not applicable. Functional consequence: skipped exon, retained intron. Not counted in ClinVar's aggregate classification.

Dr. Peter K. Rogan Lab, Western University
No classification provided (evidence only). Condition: Familial pancreatic carcinoma. Review status: no classification provided. Collection method: in vitro. Allele origin: not applicable. Functional consequence: skipped exon, retained intron. Not counted in ClinVar's aggregate classification.

Dr. Peter K. Rogan Lab, Western University
No classification provided (evidence only). Condition: Lymphoma. Review status: no classification provided. Collection method: in vitro. Allele origin: not applicable. Functional consequence: retained intron. Not counted in ClinVar's aggregate classification.

GeneReviews
No classification provided. Condition: Hereditary pancreatitis. Review status: no classification provided. Collection method: literature only. Allele origin: germline. Affected: yes. Not counted in ClinVar's aggregate classification.

Literature cited by the submitters: PubMed 33375403 (cited by Mayo Clinic Laboratories, Mayo Clinic and Quest Diagnostics Nichols Institute San Juan Capistrano); PubMed 36307006 (cited by Mayo Clinic Laboratories, Mayo Clinic); PubMed 36307252 (cited by Mayo Clinic Laboratories, Mayo Clinic); PubMed 38151412 (cited by Mayo Clinic Laboratories, Mayo Clinic); PubMed 38871151 (cited by Mayo Clinic Laboratories, Mayo Clinic); PubMed 39062716 (cited by Mayo Clinic Laboratories, Mayo Clinic); PubMed 10601093 (cited by Quest Diagnostics Nichols Institute San Juan Capistrano); PubMed 15151509 (cited by Quest Diagnostics Nichols Institute San Juan Capistrano and Ambry Genetics); PubMed 12759680 (cited by Quest Diagnostics Nichols Institute San Juan Capistrano and Laboratory for Molecular Medicine, Mass General Brigham Personalized Medicine); PubMed 30230364 (cited by Quest Diagnostics Nichols Institute San Juan Capistrano); PubMed 29779145 (cited by Quest Diagnostics Nichols Institute San Juan Capistrano); PubMed 33468668 (cited by Quest Diagnostics Nichols Institute San Juan Capistrano); PubMed 34405919 (cited by Quest Diagnostics Nichols Institute San Juan Capistrano); PubMed 33572515 (cited by Quest Diagnostics Nichols Institute San Juan Capistrano); PubMed 15097853 (cited by Quest Diagnostics Nichols Institute San Juan Capistrano and Laboratory for Molecular Medicine, Mass General Brigham Personalized Medicine); PubMed 9272157 (cited by Quest Diagnostics Nichols Institute San Juan Capistrano and Ambry Genetics); PubMed 10950058 (cited by Quest Diagnostics Nichols Institute San Juan Capistrano); PubMed 19885835 (cited by Quest Diagnostics Nichols Institute San Juan Capistrano); PubMed 26436105 (cited by Quest Diagnostics Nichols Institute San Juan Capistrano); PubMed 20460946 (cited by Quest Diagnostics Nichols Institute San Juan Capistrano); PubMed 25797027 (cited by Quest Diagnostics Nichols Institute San Juan Capistrano); PubMed 19318346 (cited by Quest Diagnostics Nichols Institute San Juan Capistrano); PubMed 31350925 (cited by Quest Diagnostics Nichols Institute San Juan Capistrano); PubMed 29754320 (cited by Quest Diagnostics Nichols Institute San Juan Capistrano); PubMed 31990467 (cited by Quest Diagnostics Nichols Institute San Juan Capistrano); PubMed 29292091 (cited by Quest Diagnostics Nichols Institute San Juan Capistrano); PubMed 22427236 (cited by 3 submitters); PubMed 21131649 (cited by Quest Diagnostics Nichols Institute San Juan Capistrano); PubMed 21520337 (cited by Quest Diagnostics Nichols Institute San Juan Capistrano); PubMed 22591852 (cited by Quest Diagnostics Nichols Institute San Juan Capistrano); PubMed 2236053 (cited by Ambry Genetics); PubMed 24451227 (cited by Ambry Genetics); PubMed 18507830 (cited by Laboratory for Molecular Medicine, Mass General Brigham Personalized Medicine); NCBI Bookshelf NBK190101 (cited by GeneReviews).